The following is an entry in ClinVar:

NM_001258392.3(CLPB):c.973G>T (p.Ala325Ser)

Gene: CLPB (ClpB family mitochondrial disaggregase; minus strand). Cytogenetic location: 11q13.4.
Variant type: single nucleotide variant.
Coding change: c.973G>T on transcript NM_001258392.3 (MANE Select); coding-DNA position 973, G replaced by T.
Protein change: p.Ala325Ser; replaces alanine 325 with serine.
Molecular consequence: missense variant.
Genome position (GRCh38, 1-based): chr11:72,317,121, C>A on the plus strand (G>T on the coding strand, the complement: CLPB is on the minus strand). VCF-style: chr11-72317121-C-A. GRCh37 (hg19) VCF-style: chr11-72028165-C-A.
Other names: c.886G>T, p.Ala296Ser (NM_001258393.3); c.928G>T, p.Ala310Ser (NM_001258394.3); c.1063G>T, p.Ala355Ser (NM_030813.6); short protein forms A355S, A296S, A310S, A325S.
Identifiers: ClinVar variation 4768216 (VCV004768216.1).

ClinVar aggregate classification (germline): Uncertain significance (1 of 4 stars; one submission).

Conditions:
3-methylglutaconic aciduria, type VIIB (MGCA7B). Also called: CLPB Deficiency; 3-methylglutaconic aciduria with cataracts, neurologic involvement and neutropenia; 3-methylglutaconic aciduria, type VII, with cataracts, neurologic involvement and neutropenia. Identifiers: Orphanet 445038, MedGen C5676893, MONDO:0014561, OMIM 616271.

Submission:

Labcorp Genetics (formerly Invitae), Labcorp
Classification: Uncertain significance for 3-methylglutaconic aciduria, type VIIB. Last evaluated: 2025-08-18. Review status: criteria provided, single submitter. Criteria: Invitae Variant Classification Sherloc (09022015). Collection method: clinical testing. Allele origin: germline.
Comment: This sequence change replaces alanine, which is neutral and non-polar, with serine, which is neutral and polar, at codon 355 of the CLPB protein (p.Ala355Ser). This variant is not present in population databases (gnomAD no frequency). This variant has not been reported in the literature in individuals affected with CLPB-related conditions. An algorithm developed to predict the effect of missense changes on protein structure and function (PolyPhen-2) suggests that this variant is likely to be tolerated. In summary, the available evidence is currently insufficient to determine the role of this variant in disease. Therefore, it has been classified as a Variant of Uncertain Significance.